The following is an entry in ClinVar:

ClinVar aggregate classification (germline): Uncertain significance (1 of 4 stars; one submission).

Allele frequency attached by ClinVar (database versions not stated): gnomAD 0.00001; gnomAD exomes 0.00002 and 0.00009; TOPMed 0.00004; ExAC 0.00007.
gnomAD v4.1: 30 of 1,612,080 alleles (0.0019%); highest among the groups gnomAD compares: Admixed American, 0.045%; no homozygotes.

Submission:

Labcorp Genetics (formerly Invitae), Labcorp
Classification: Uncertain significance. Last evaluated: 2026-02-01. Review status: criteria provided, single submitter. Criteria: Invitae Variant Classification Sherloc (09022015). Collection method: clinical testing. Allele origin: germline.
Comment: This sequence change replaces valine, which is neutral and non-polar, with methionine, which is neutral and non-polar, at codon 805 of the MYLK3 protein (p.Val805Met). This variant is present in population databases (rs775831910, gnomAD 0.06%), and has an allele count higher than expected for a pathogenic variant. This variant has not been reported in the literature in individuals affected with MYLK3-related conditions. ClinVar contains an entry for this variant (Variation ID: 1407902). An algorithm developed to predict the effect of missense changes on protein structure and function (PolyPhen-2) suggests that this variant is likely to be disruptive. In summary, the available evidence is currently insufficient to determine the role of this variant in disease. Therefore, it has been classified as a Variant of Uncertain Significance.

NM_182493.3(MYLK3):c.2413G>A (p.Val805Met)

Gene: MYLK3 (myosin light chain kinase 3; minus strand). Cytogenetic location: 16q11.2.
Variant type: single nucleotide variant.
Coding change: c.2413G>A on transcript NM_182493.3 (MANE Select); coding-DNA position 2413, G replaced by A.
Protein change: p.Val805Met; replaces valine 805 with methionine.
Molecular consequence: missense variant.
Genome position (GRCh38, 1-based): chr16:46,707,751, C>T on the plus strand (G>A on the coding strand, the complement: MYLK3 is on the minus strand). VCF-style: chr16-46707751-C-T. GRCh37 (hg19) VCF-style: chr16-46741663-C-T.
Other names: c.1390G>A, p.Val464Met (NM_001308301.1); short protein forms V464M, V805M.
Identifiers: ClinVar variation 1407902 (VCV001407902.6), dbSNP rs775831910, ClinGen allele CA8037596.